The following is an entry in ClinVar:

NM_000214.3(JAG1):c.898T>A (p.Cys300Ser)

Gene: JAG1 (jagged canonical Notch ligand 1; minus strand). Cytogenetic location: 20p12.2.
Variant type: single nucleotide variant.
Coding change: c.898T>A on transcript NM_000214.3 (MANE Select); coding-DNA position 898, T replaced by A.
Protein change: p.Cys300Ser; replaces cysteine 300 with serine.
Molecular consequence: missense variant.
Genome position (GRCh38, 1-based): chr20:10,652,239, A>T on the plus strand (T>A on the coding strand, the complement: JAG1 is on the minus strand). VCF-style: chr20-10652239-A-T. GRCh37 (hg19) VCF-style: chr20-10632887-A-T.
Other names: short protein forms C300S.
Identifiers: ClinVar variation 3573175 (VCV003573175.2).
Genomic context (GRCh38, chr20:10,652,239, plus strand): 5'-ATTTGTCAGGGCCTGTGTTGCTACAAGTTCCCCCGTTGAGACACGGCTGATGAGTCCCAC[A>T]GTAATTGAGATCTGCCAAAAAGATCCTGGAGTCACTAAGAGACGCCTGTGAAGATGGCGA-3'
Protein context (NP_000205.1, residues 290-310): GQLCDKDLNY[Cys300Ser]GTHQPCLNGG

Conditions:
Arteriohepatic dysplasia. Also called: Alagille Syndrome. Identifiers: Orphanet 52, MedGen C0085280, MeSH D016738, MONDO:0007318.

Submission:

Gilbert/Spinner Lab, Children's Hospital of Philadelphia
No classification provided (evidence only). Condition: Alagille syndrome. Review status: no classification provided. Collection method: research. Allele origin: not applicable. Functional consequence: functionally_abnormal.
ClinVar note: "not provided" was previously submitted as the classification for the variant. However, the classification appeared to be based only on an observation of functional data so it was converted to no classification on 2025-07-30.